The following is an entry in ClinVar:

ClinVar aggregate classification (germline): Uncertain significance (1 of 4 stars; one submission).

Conditions:
Werner syndrome (WRN). Identifiers: Orphanet 902, MedGen C0043119, MONDO:0010196, OMIM 277700.

Allele frequency attached by ClinVar (database versions not stated): gnomAD exomes 0.00001 and 0.00002; ExAC 0.00002; gnomAD 0.00003; TOPMed 0.00003.
gnomAD v4.1: 20 of 1,611,022 alleles (0.0012%); highest among the groups gnomAD compares: Non-Finnish European, 0.0016%; no homozygotes.

Submission:

Labcorp Genetics (formerly Invitae), Labcorp
Classification: Uncertain significance for Werner syndrome. Last evaluated: 2024-07-30. Review status: criteria provided, single submitter. Criteria: Invitae Variant Classification Sherloc (09022015). Collection method: clinical testing. Allele origin: germline.
Comment: This sequence change replaces serine, which is neutral and polar, with phenylalanine, which is neutral and non-polar, at codon 435 of the WRN protein (p.Ser435Phe). This variant is present in population databases (rs750246326, gnomAD 0.004%). This variant has not been reported in the literature in individuals affected with WRN-related conditions. ClinVar contains an entry for this variant (Variation ID: 571849). An algorithm developed to predict the effect of missense changes on protein structure and function (PolyPhen-2) suggests that this variant is likely to be tolerated. In summary, the available evidence is currently insufficient to determine the role of this variant in disease. Therefore, it has been classified as a Variant of Uncertain Significance.

NM_000553.6(WRN):c.1304C>T (p.Ser435Phe)

Gene: WRN (WRN RecQ like helicase; plus strand). Cytogenetic location: 8p12.
Variant type: single nucleotide variant.
Coding change: c.1304C>T on transcript NM_000553.6 (MANE Select); coding-DNA position 1304, C replaced by T.
Protein change: p.Ser435Phe; replaces serine 435 with phenylalanine.
Molecular consequence: missense variant.
Genome position (GRCh38, 1-based): chr8:31,083,733, C>T. VCF-style: chr8-31083733-C-T. GRCh37 (hg19) VCF-style: chr8-30941249-C-T.
Other names: short protein forms S435F.
Identifiers: ClinVar variation 571849 (VCV000571849.6), dbSNP rs750246326, ClinGen allele CA4704308.